The following is an entry in ClinVar:

ClinVar aggregate classification (germline): Benign/Likely benign. Review status: criteria provided, multiple submitters, no conflicts (2 of 4 stars). 2 submissions from 2 submitters: Benign (1); Likely benign (1). Last evaluated 2018-07-06.

Conditions:
SEPN1-related disorder. Also called: SEPN1-Related Disorders. Identifiers: MedGen CN239420.

Allele frequency attached by ClinVar (database versions not stated): TOPMed 0.00974; gnomAD exomes 0.00118; 1000 Genomes Project 0.01158; gnomAD 0.00903 and 0.00976; 1000 Genomes Project 30x 0.01156.

Submissions (2):

GeneDx
Classification: Likely benign. Last evaluated: 2018-07-06. Review status: criteria provided, single submitter. Criteria: GeneDx Variant Classification Process June 2021. Collection method: clinical testing. Allele origin: germline. Affected: yes.

Illumina Laboratory Services, Illumina
Classification: Benign for SEPN1-Related Disorders. Last evaluated: 2018-01-12. Review status: criteria provided, single submitter. Criteria: ICSL Variant Classification Criteria 13 December 2019. Collection method: clinical testing. Allele origin: germline.
Comment: This variant was observed in the ICSL laboratory as part of a predisposition screen in an ostensibly healthy population. It had not been previously curated by ICSL or reported in the Human Gene Mutation Database (HGMD: prior to June 1st, 2018), and was therefore a candidate for classification through an automated scoring system. Utilizing variant allele frequency, disease prevalence and penetrance estimates, and inheritance mode, an automated score was calculated to assess if this variant is too frequent to cause the disease. Based on the score and internal cut-off values, a variant classified as benign is not then subjected to further curation. The score for this variant resulted in a classification of benign for this disease.

NM_206926.2(SELENON):c.*228C>T

Gene: SELENON (selenoprotein N; plus strand). Cytogenetic location: 1p36.11.
Variant type: single nucleotide variant.
Coding change: c.*228C>T on transcript NM_206926.2 (MANE Select); 228 bases downstream of the stop codon, C replaced by T.
Molecular consequence: 3 prime UTR variant.
Genome position (GRCh38, 1-based): chr1:25,815,946, C>T. VCF-style: chr1-25815946-C-T. GRCh37 (hg19) VCF-style: chr1-26142437-C-T.
Other names: c.*228C>T (NM_020451.3).
Identifiers: ClinVar variation 297034 (VCV000297034.7), dbSNP rs115473437, ClinGen allele CA10609768.